The following is an entry in ClinVar:

NM_001267550.2(TTN):c.101752A>G (p.Ser33918Gly)

Genes: TTN-AS1 (TTN antisense RNA 1; plus strand), TTN (titin; minus strand). Cytogenetic location: 2q31.2.
Variant type: single nucleotide variant.
Coding change: c.101752A>G on transcript NM_001267550.2 (MANE Select); coding-DNA position 101752, A replaced by G.
Protein change: p.Ser33918Gly; replaces serine 33918 with glycine.
Molecular consequence: missense variant.
Genome position (GRCh38, 1-based): chr2:178,534,863, T>C on the plus strand (A>G on the coding strand, the complement: TTN is on the minus strand). VCF-style: chr2-178534863-T-C. GRCh37 (hg19) VCF-style: chr2-179399590-T-C.
Other names: c.96829A>G, p.Ser32277Gly (NM_001256850.1); c.74557A>G, p.Ser24853Gly (NM_003319.4); c.94048A>G, p.Ser31350Gly (NM_133378.4); c.74932A>G, p.Ser24978Gly (NM_133432.3); c.75133A>G, p.Ser25045Gly (NM_133437.4); short protein forms S24853G, S24978G, S25045G, S31350G, S32277G, S33918G.
Identifiers: ClinVar variation 3753501 (VCV003753501.2).

ClinVar aggregate classification (germline): Uncertain significance (1 of 4 stars; one submission).

Conditions:
Autosomal recessive limb-girdle muscular dystrophy type 2J (LGMDR10). Also called: Limb-girdle muscular dystrophy, type 2J; MUSCULAR DYSTROPHY, LIMB-GIRDLE, AUTOSOMAL RECESSIVE 10. Identifiers: Orphanet 140922, MedGen C1837342, MONDO:0012127, OMIM 608807.
Dilated cardiomyopathy 1G (CMD1G). Identifiers: Orphanet 154, MedGen C1858763, MONDO:0011400, OMIM 604145.

gnomAD v4.1: 1 of 1,608,486 alleles (0.000062%); highest among the groups gnomAD compares: African/African-American, 0.0013%; no homozygotes.

Submission:

Labcorp Genetics (formerly Invitae), Labcorp
Classification: Uncertain significance for Dilated cardiomyopathy 1G; Autosomal recessive limb-girdle muscular dystrophy type 2J. Last evaluated: 2024-10-24. Review status: criteria provided, single submitter. Criteria: Invitae Variant Classification Sherloc (09022015). Collection method: clinical testing. Allele origin: germline.
Comment: This sequence change replaces serine, which is neutral and polar, with glycine, which is neutral and non-polar, at codon 33918 of the TTN protein (p.Ser33918Gly). This variant is present in population databases (no rsID available, gnomAD 0.01%). This variant has not been reported in the literature in individuals affected with TTN-related conditions. Experimental studies and prediction algorithms are not available or were not evaluated, and the functional significance of this variant is currently unknown. This variant is located in the M band of TTN (PMID: 25589632). Non-truncating variants in this region may be relevant for neuromuscular disorders, but have not been definitively shown to cause cardiomyopathy (PMID: 23975875). In summary, the available evidence is currently insufficient to determine the role of this variant in disease. Therefore, it has been classified as a Variant of Uncertain Significance.

Literature cited by the submitters: PubMed 25589632; PubMed 23975875.